The following is an entry in ClinVar:

NM_016205.3(PDGFC):c.855C>G (p.Ala285=)

Gene: PDGFC (platelet derived growth factor C; minus strand). Cytogenetic location: 4q32.1.
Variant type: single nucleotide variant.
Coding change: c.855C>G on transcript NM_016205.3 (MANE Select); coding-DNA position 855, C replaced by G.
Protein change: p.Ala285=; no amino-acid change (alanine 285 retained).
Molecular consequence: synonymous variant. On other transcripts: non-coding transcript variant (1).
Genome position (GRCh38, 1-based): chr4:156,767,839, G>C on the plus strand (C>G on the coding strand, the complement: PDGFC is on the minus strand). VCF-style: chr4-156767839-G-C. GRCh37 (hg19) VCF-style: chr4-157688991-G-C.
Identifiers: ClinVar variation 715728 (VCV000715728.29), dbSNP rs142817291, ClinGen allele CA3119412.

ClinVar aggregate classification (germline): Benign/Likely benign. Review status: criteria provided, multiple submitters, no conflicts (2 of 4 stars). 3 submissions from 3 submitters: Benign (2); Likely benign (1). Last evaluated 2023-06-01.

Allele frequency attached by ClinVar (database versions not stated): 1000 Genomes Project 30x 0.00156; TOPMed 0.00197; 1000 Genomes Project 0.00200; ESP Exome Variant Server 0.00261.
gnomAD v4.1: 5,514 of 1,613,346 alleles (0.34%); highest among the groups gnomAD compares: Non-Finnish European, 0.25%; 77 homozygotes.

Submissions (3):

CeGaT Center for Human Genetics Tuebingen
Classification: Likely benign. Last evaluated: 2023-06-01. Review status: criteria provided, single submitter. Criteria: CeGaT Center For Human Genetics Tuebingen Variant Classification Criteria Version 2. Collection method: clinical testing. Allele origin: germline. Affected: yes. Observed: 1 variant allele.
Comment: PDGFC: BP4, BP7, BS2

Labcorp Genetics (formerly Invitae), Labcorp
Classification: Benign. Last evaluated: 2019-12-31. Review status: criteria provided, single submitter. Criteria: Invitae Variant Classification Sherloc (09022015). Collection method: clinical testing. Allele origin: germline.

Breakthrough Genomics
Classification: Benign. Review status: criteria provided, single submitter. Criteria: ACMG Guidelines, 2015. Collection method: not provided. Allele origin: germline. Inheritance: Unknown mechanism. Affected: yes.